The following is an entry in ClinVar:

ClinVar aggregate classification (germline): Uncertain significance (1 of 4 stars; one submission).

Submission:

Labcorp Genetics (formerly Invitae), Labcorp
Classification: Uncertain significance. Last evaluated: 2023-01-13. Review status: criteria provided, single submitter. Criteria: Invitae Variant Classification Sherloc (09022015). Collection method: clinical testing. Allele origin: germline.
Comment: This variant is not present in population databases (gnomAD no frequency). This sequence change falls in intron 5 of the SEC61A1 gene. It does not directly change the encoded amino acid sequence of the SEC61A1 protein. This variant has not been reported in the literature in individuals affected with SEC61A1-related conditions. In summary, the available evidence is currently insufficient to determine the role of this variant in disease. Therefore, it has been classified as a Variant of Uncertain Significance. Algorithms developed to predict the effect of sequence changes on RNA splicing suggest that this variant may create or strengthen a splice site.

NM_013336.4(SEC61A1):c.353-17_353-15del

Gene: SEC61A1 (SEC61 translocon subunit alpha 1; plus strand). Cytogenetic location: 3q21.3.
Variant type: Microsatellite.
Coding change: c.353-17_353-15del on transcript NM_013336.4 (MANE Select); 17 bases into the intron before coding-DNA position 353 through 15 bases into the intron before coding-DNA position 353, 3 bases deleted (CTT; older notation c.353-17_353-15delCTT).
Molecular consequence: intron variant.
Genome position (GRCh38, 1-based): chr3:128,060,085-128,060,087, CTT deleted; deleting any 3 consecutive bases within chr3:128,060,082-128,060,087 gives the same sequence; the c. name uses the placement nearest the transcript's 3' end. VCF-style (leftmost placement, unchanged base first): chr3-128060081-ACTT-A. GRCh37 (hg19) VCF-style: chr3-127778924-ACTT-A.
Other names: c.371-17_371-15del (NM_001400328.1); c.194-17_194-15del (NM_001400329.1).
Identifiers: ClinVar variation 2828117 (VCV002828117.3), dbSNP rs2473025348, ClinGen allele CA2667521840.